The following is an entry in ClinVar:

ClinVar aggregate classification (germline): Likely benign (0 of 4 stars; one submission).

Conditions:
PSEN2-related disorder. Also called: PSEN2-related condition.

Allele frequency attached by ClinVar (database versions not stated): gnomAD 0.00001; gnomAD exomes 0.00002; ExAC 0.00005.
gnomAD v4.1: 26 of 1,613,902 alleles (0.0016%); highest among the groups gnomAD compares: South Asian, 0.029%; no homozygotes.

Submission:

PreventionGenetics, part of Exact Sciences
Classification: Likely benign for PSEN2-related condition. Last evaluated: 2021-06-30. Review status: no assertion criteria provided. Collection method: clinical testing. Allele origin: germline.
Comment: This variant is classified as likely benign based on ACMG/AMP sequence variant interpretation guidelines (Richards et al. 2015 PMID: 25741868, with internal and published modifications).

NM_000447.3(PSEN2):c.375T>C (p.Thr125=)

Gene: PSEN2 (presenilin 2; plus strand). Cytogenetic location: 1q42.13.
Variant type: single nucleotide variant.
Coding change: c.375T>C on transcript NM_000447.3 (MANE Select); coding-DNA position 375, T replaced by C.
Protein change: p.Thr125=; no amino-acid change (threonine 125 retained).
Molecular consequence: synonymous variant.
Genome position (GRCh38, 1-based): chr1:226,885,556, T>C. VCF-style: chr1-226885556-T-C. GRCh37 (hg19) VCF-style: chr1-227073257-T-C.
Other names: c.375T>C, p.Thr125= (NM_012486.3).
Identifiers: ClinVar variation 3047021 (VCV003047021.2), dbSNP rs758985161, ClinGen allele CA1424504.
Genomic context (GRCh38, chr1:226,885,556, plus strand): 5'-CAGTCAGGGCCGGGAGCATCAGCCCTTTGCCTTCTCCCTCAGCATCTACACGCCATTCAC[T>C]GAGGACACACCCTCGGTGGGCCAGCGCCTCCTCAACTCCGTGCTGAACACCCTCATCATG-3'
Protein context (NP_000438.2, residues 115-135): KNGQLIYTPF[Thr125=]EDTPSVGQRL